The following is an entry in ClinVar:

NM_001379286.1(ZNF423):c.3454C>T (p.Arg1152Cys)

Gene: ZNF423 (zinc finger protein 423; minus strand). Cytogenetic location: 16q12.1.
Variant type: single nucleotide variant.
Coding change: c.3454C>T on transcript NM_001379286.1 (MANE Select); coding-DNA position 3454, C replaced by T.
Protein change: p.Arg1152Cys; replaces arginine 1152 with cysteine.
Molecular consequence: missense variant.
Genome position (GRCh38, 1-based): chr16:49,635,722, G>A on the plus strand (C>T on the coding strand, the complement: ZNF423 is on the minus strand). VCF-style: chr16-49635722-G-A. GRCh37 (hg19) VCF-style: chr16-49669633-G-A.
Other names: c.3250C>T, p.Arg1084Cys (NM_001271620.2); c.3079C>T, p.Arg1027Cys (NM_001330533.2); c.3430C>T, p.Arg1144Cys (NM_015069.5); short protein forms R1027C, R1084C, R1144C, R1152C.
Identifiers: ClinVar variation 1009172 (VCV001009172.9), dbSNP rs774292686, ClinGen allele CA8046301.

ClinVar aggregate classification (germline): Uncertain significance. Review status: criteria provided, multiple submitters, no conflicts (2 of 4 stars). 2 submissions from 2 submitters: Uncertain significance (2). Last evaluated 2022-07-09.

Conditions:
Nephronophthisis 14 (NPHP14). Identifiers: Orphanet 2318, MedGen C3539071, MONDO:0013916, OMIM 614844.

Allele frequency attached by ClinVar (database versions not stated): gnomAD 0.00002 and 0.00003; TOPMed 0.00003.
gnomAD v4.1: 27 of 1,610,208 alleles (0.0017%); highest among the groups gnomAD compares: Admixed American, 0.0051%; no homozygotes.

Submissions (2):

Labcorp Genetics (formerly Invitae), Labcorp
Classification: Uncertain significance for Nephronophthisis 14. Last evaluated: 2022-07-09. Review status: criteria provided, single submitter. Criteria: Invitae Variant Classification Sherloc (09022015). Collection method: clinical testing. Allele origin: germline.
Comment: This sequence change replaces arginine, which is basic and polar, with cysteine, which is neutral and slightly polar, at codon 1144 of the ZNF423 protein (p.Arg1144Cys). This variant is present in population databases (rs774292686, gnomAD 0.009%). In summary, the available evidence is currently insufficient to determine the role of this variant in disease. Therefore, it has been classified as a Variant of Uncertain Significance. Algorithms developed to predict the effect of missense changes on protein structure and function are either unavailable or do not agree on the potential impact of this missense change (SIFT: "Deleterious"; PolyPhen-2: "Possibly Damaging"; Align-GVGD: "Class C0"). ClinVar contains an entry for this variant (Variation ID: 1009172). This variant has not been reported in the literature in individuals affected with ZNF423-related conditions.

Blueprint Genetics
Classification: Uncertain significance. Last evaluated: 2019-11-18. Review status: criteria provided, single submitter. Criteria: ACMG Guidelines, 2015. Collection method: clinical testing. Allele origin: germline.